The following is an entry in ClinVar:

ClinVar aggregate classification (germline): Pathogenic (1 of 4 stars; one submission).

Conditions:
DICER1-related tumor predisposition. Also called: DICER1 syndrome; DICER1-related pleuropulmonary blastoma cancer predisposition syndrome. Identifiers: Orphanet 284343, MedGen C3839822, MONDO:0100216.

Submission:

Labcorp Genetics (formerly Invitae), Labcorp
Classification: Pathogenic for DICER1-related tumor predisposition. Last evaluated: 2021-04-10. Review status: criteria provided, single submitter. Criteria: Invitae Variant Classification Sherloc (09022015). Collection method: clinical testing. Allele origin: germline.
Comment: For these reasons, this variant has been classified as Pathogenic. This variant has not been reported in the literature in individuals with DICER1-related conditions. This variant is not present in population databases (ExAC no frequency). This sequence change creates a premature translational stop signal (p.Asp1400Metfs*3) in the DICER1 gene. It is expected to result in an absent or disrupted protein product. Loss-of-function variants in DICER1 are known to be pathogenic (PMID: 19556464, 21266384).

Literature cited by the submitters: PubMed 19556464; PubMed 21266384.

NM_177438.3(DICER1):c.4197del (p.Asp1400fs)

Gene: DICER1 (dicer 1, ribonuclease III; minus strand). Cytogenetic location: 14q32.13.
Variant type: Deletion.
Coding change: c.4197del on transcript NM_177438.3 (MANE Select); coding-DNA position 4197, one base deleted (A; older notation c.4197delA).
Protein change: p.Asp1400fs; shifts the reading frame from aspartic acid 1400.
Molecular consequence: frameshift variant.
Genome position (GRCh38, 1-based): chr14:95,099,789, T deleted on the plus strand (A on the coding strand, the reverse complement: DICER1 is on the minus strand); the first of 5 consecutive T bases (chr14:95,099,789-95,099,793); deleting any one gives the same sequence. VCF-style (leftmost placement, unchanged base first): chr14-95099788-CT-C. GRCh37 (hg19) VCF-style: chr14-95566125-CT-C.
Other names: c.4197del, p.Asp1400fs (NM_001195573.1, NM_001271282.3, NM_001291628.2 and 1 more transcripts); short protein forms D1400fs.
Identifiers: ClinVar variation 1405642 (VCV001405642.7), dbSNP rs2139900809, ClinGen allele CA2573150318.